The following is an entry in ClinVar:

ClinVar aggregate classification (germline): Likely pathogenic (1 of 4 stars; one submission).

Conditions:
Hypertrophic cardiomyopathy. Also called: HYPERTROPHIC MYOCARDIOPATHY. Identifiers: Orphanet 217569, MedGen C0007194, MeSH D002312, MONDO:0005045, HP:0001639.

Submission:

Labcorp Genetics (formerly Invitae), Labcorp
Classification: Likely pathogenic for Hypertrophic cardiomyopathy. Last evaluated: 2024-09-09. Review status: criteria provided, single submitter. Criteria: Invitae Variant Classification Sherloc (09022015). Collection method: clinical testing. Allele origin: germline.
Comment: This variant results in the deletion of part of exon 4 (c.406+21_408del) of the MYBPC3 gene. It is expected to disrupt RNA splicing. Variants that disrupt the donor or acceptor splice site typically lead to a loss of protein function (PMID: 16199547), and loss-of-function variants in MYBPC3 are known to be pathogenic (PMID: 19574547). This variant is not present in population databases (gnomAD no frequency). This variant has not been reported in the literature in individuals affected with MYBPC3-related conditions. In summary, the currently available evidence indicates that the variant is pathogenic, but additional data are needed to prove that conclusively. Therefore, this variant has been classified as Likely Pathogenic.

Literature cited by the submitters: PubMed 16199547; PubMed 19574547.

NM_000256.3(MYBPC3):c.406+21_408del

Gene: MYBPC3 (myosin binding protein C3; minus strand). Cytogenetic location: 11p11.2.
Variant type: Deletion.
Coding change: c.406+21_408del on transcript NM_000256.3 (MANE Select); 21 bases into the intron after coding-DNA position 406 through coding-DNA position 408, 371 bases deleted.
Molecular consequence: splice acceptor variant.
Genome position (GRCh38, 1-based): chr11:47,350,111-47,350,481, 371 bases deleted. GRCh37 (hg19): chr11:47,371,667-47,372,037.
Identifiers: ClinVar variation 3705799 (VCV003705799.2).